The following is an entry in ClinVar:

NM_000051.4(ATM):c.3403-14_3403-13insG

Gene: ATM (ATM serine/threonine kinase; plus strand). Cytogenetic location: 11q22.3.
Variant type: Insertion.
Coding change: c.3403-14_3403-13insG on transcript NM_000051.4 (MANE Select); 14 bases into the intron before coding-DNA position 3403 through 13 bases into the intron before coding-DNA position 3403, G inserted.
Molecular consequence: intron variant.
Genome position: GRCh38 VCF-style: chr11-108280981-A-AG. GRCh37 (hg19) VCF-style: chr11-108151708-A-AG.
Other names: c.3403-14_3403-13insG (NM_001351834.2).
Identifiers: ClinVar variation 1049622 (VCV001049622.1), dbSNP rs1555091097, ClinGen allele CA2499220612.
Genomic context (GRCh38, chr11:108,280,981, plus strand): 5'-TCAGTTGGGATTTTATAATTGATTGTTAAACATTTACATTTTACATTACATTTTTTTTTT[A>AG]ATTTCTTTTTAAGTCCCATAGTGCTGAGAACCCTGAAACTTTGGATGAAATTTATAATAG-3'

ClinVar aggregate classification (germline): Uncertain significance (0 of 4 stars; one submission).

Conditions:
Familial ovarian cancer. Identifiers: MedGen C5679802, MONDO:0016248.

Submission:

Department of Pathology and Laboratory Medicine, Sinai Health System
Classification: Uncertain significance for Familial ovarian cancer. Review status: no assertion criteria provided. Collection method: clinical testing. Allele origin: unknown. Affected: yes. Observed: 1 variant allele. Study: The Canadian Open Genetics Repository (COGR).
Comment: The ATM c.3403-14_3403-13insG variant was not identified in the literature nor was it identified in the dbSNP, ClinVar, COGR, Cosmic, MutDB, LOVD 3.0, the 1000 Genomes Project, the NHLBI GO Exome Sequencing Project, the Exome Aggregation Consortium (August 8th 2016), or the Genome Aggregation Database (Feb 27, 2017). The variant occurs outside of the splicing consensus sequence and 5 of 5 in silico or computational prediction software programs (SpliceSiteFinder, MaxEntScan, NNSPLICE, GeneSplicer, HumanSpliceFinder) predict a greater than 10% difference in splicing. However, this information is not predictive enough to assume pathogenicity. In summary, based on the above information the clinical significance of this variant cannot be determined with certainty at this time. This variant is classified as a variant of uncertain significance.